The following is an entry in ClinVar:

ClinVar aggregate classification (germline): Uncertain significance (1 of 4 stars; one submission).

gnomAD v4.1: 2 of 1,165,190 alleles (0.00017%); highest among the groups gnomAD compares: South Asian, 0.0019%; no homozygotes.

Submission:

GeneDx
Classification: Uncertain significance. Last evaluated: 2019-10-04. Review status: criteria provided, single submitter. Criteria: GeneDx Variant Classification Process June 2021. Collection method: clinical testing. Allele origin: germline. Affected: yes.
Comment: Has not been previously published as pathogenic or benign to our knowledge; Not observed in large population cohorts (Lek et al., 2016); In silico analysis, which includes protein predictors and evolutionary conservation, supports that this variant does not alter protein structure/function

NM_005660.3(SLC35A2):c.59C>T (p.Ala20Val)

Gene: SLC35A2 (solute carrier family 35 member A2; minus strand). Cytogenetic location: Xp11.23.
Variant type: single nucleotide variant.
Coding change: c.59C>T on transcript NM_005660.3 (MANE Select); coding-DNA position 59, C replaced by T.
Protein change: p.Ala20Val; replaces alanine 20 with valine.
Molecular consequence: missense variant. On other transcripts: intron variant (1).
Genome position (GRCh38, 1-based): chrX:48,911,578, G>A on the plus strand (C>T on the coding strand, the complement: SLC35A2 is on the minus strand). VCF-style: chrX-48911578-G-A. GRCh37 (hg19) VCF-style: chrX-48768855-G-A.
Other names: c.59C>T, p.Ala20Val (NM_001032289.3, NM_001042498.3, NM_001282647.2 and 3 more transcripts); c.19+281C>T (NM_001282648.2); short protein forms A20V.
Identifiers: ClinVar variation 1202420 (VCV001202420.3), dbSNP rs2147500403, ClinGen allele CA412898802.